The following is an entry in ClinVar:

NM_201384.3(PLEC):c.5116C>G (p.Gln1706Glu)

Gene: PLEC (plectin; minus strand). Cytogenetic location: 8q24.3.
Variant type: single nucleotide variant.
Coding change: c.5116C>G on transcript NM_201384.3 (MANE Select); coding-DNA position 5116, C replaced by G.
Protein change: p.Gln1706Glu; replaces glutamine 1706 with glutamic acid.
Molecular consequence: missense variant.
Genome position (GRCh38, 1-based): chr8:143,924,813, G>C on the plus strand (C>G on the coding strand, the complement: PLEC is on the minus strand). VCF-style: chr8-143924813-G-C. GRCh37 (hg19) VCF-style: chr8-144998981-G-C.
Other names: c.5197C>G, p.Gln1733Glu (NM_000445.5); c.5074C>G, p.Gln1692Glu (NM_201378.4); c.5050C>G, p.Gln1684Glu (NM_201379.3); c.5527C>G, p.Gln1843Glu (NM_201380.4); c.5020C>G, p.Gln1674Glu (NM_201381.3); c.5116C>G, p.Gln1706Glu (NM_201382.4); c.5128C>G, p.Gln1710Glu (NM_201383.3); c.5197C>G (NM_000445.3); short protein forms Q1706E, Q1733E, Q1843E, Q1674E, Q1684E, Q1692E, Q1710E.
Identifiers: ClinVar variation 855666 (VCV000855666.9), dbSNP rs782526557, ClinGen allele CA4926426.
Genomic context (GRCh38, chr8:143,924,813, plus strand): 5'-CCCCCTGCTCCGTCTCGGCCCGCAGCCGGATCAACTCCTGCTCCGCGGCCAGGCGCTGCT[G>C]CGCGGTGCCTTCCGCCAGCTGCCGCTGCTTCTCCAGCTCTTGTTCAGCCAGCTCCCGCTG-3'
Protein context (NP_958786.1, residues 1696-1716): KQRQLAEGTA[Gln1706Glu]QRLAAEQELI

ClinVar aggregate classification (germline): Uncertain significance. Review status: criteria provided, multiple submitters, no conflicts (2 of 4 stars). 3 submissions from 3 submitters: Uncertain significance (3). Last evaluated 2025-08-19.

Conditions:
Inborn genetic diseases. Identifiers: MedGen C0950123, MeSH D030342.
Epidermolysis bullosa simplex 5B, with muscular dystrophy (EBS5B). Also called: EPIDERMOLYSIS BULLOSA SIMPLEX AND LIMB-GIRDLE MUSCULAR DYSTROPHY; Epidermolysis bullosa simplex with muscular dystrophy. Identifiers: Orphanet 257, MedGen C2931072, MONDO:0009181, OMIM 226670.
Epidermolysis bullosa simplex, Ogna type (EBS5A). Also called: Pidermolysis bullosa simplex 5A, Ogna type; EPIDERMOLYSIS BULLOSA SIMPLEX 5A, OGNA TYPE. Identifiers: Orphanet 79401, MedGen C0432317, MONDO:0007555, OMIM 131950.
Epidermolysis bullosa simplex 5C, with pyloric atresia (EBS5C). Also called: PLEC-Related Epidermolysis Bullosa with Pyloric Atresia; Epidermolysis bullosa simplex with pyloric atresia; PLEC1-Related Epidermolysis Bullosa with Pyloric Atresia. Identifiers: Orphanet 158684, MedGen C2677349, MONDO:0012807, OMIM 612138.
Autosomal recessive limb-girdle muscular dystrophy type 2Q (LGMDR17). Also called: MUSCULAR DYSTROPHY, LIMB-GIRDLE, AUTOSOMAL RECESSIVE 17. Identifiers: Orphanet 254361, MedGen C3150989, MONDO:0013390, OMIM 613723.
Epidermolysis bullosa simplex with nail dystrophy (EBS5D). Identifiers: MedGen C4225309, MONDO:0014661, OMIM 616487.

Allele frequency attached by ClinVar (database versions not stated): ExAC below 0.00001; TOPMed below 0.00001; gnomAD 0.00001.
gnomAD v4.1: 5 of 1,540,224 alleles (0.00032%); highest among the groups gnomAD compares: Non-Finnish European, 0.00043%; no homozygotes.

Submissions (3):

Labcorp Genetics (formerly Invitae), Labcorp
Classification: Uncertain significance for Autosomal recessive limb-girdle muscular dystrophy type 2Q; Epidermolysis bullosa simplex, Ogna type; Epidermolysis bullosa simplex with nail dystrophy; Epidermolysis bullosa simplex 5C, with pyloric atresia; Epidermolysis bullosa simplex 5B, with muscular dystrophy. Last evaluated: 2025-08-19. Review status: criteria provided, single submitter. Criteria: Invitae Variant Classification Sherloc (09022015). Collection method: clinical testing. Allele origin: germline.
Comment: This sequence change replaces glutamine, which is neutral and polar, with glutamic acid, which is acidic and polar, at codon 1733 of the PLEC protein (p.Gln1733Glu). This variant is not present in population databases (gnomAD no frequency). This variant has not been reported in the literature in individuals affected with PLEC-related conditions. ClinVar contains an entry for this variant (Variation ID: 855666). Experimental studies and prediction algorithms are not available or were not evaluated, and the functional significance of this variant is currently unknown. In summary, the available evidence is currently insufficient to determine the role of this variant in disease. Therefore, it has been classified as a Variant of Uncertain Significance.

Ambry Genetics
Classification: Uncertain significance for Inborn genetic diseases. Last evaluated: 2025-06-30. Review status: criteria provided, single submitter. Criteria: Ambry Variant Classification Scheme 2023. Collection method: clinical testing. Allele origin: germline.

Blueprint Genetics
Classification: Uncertain significance. Last evaluated: 2024-11-19. Review status: criteria provided, single submitter. Criteria: ACMG Guidelines, 2015. Collection method: clinical testing. Allele origin: germline.